The following is an entry in ClinVar:

NM_018122.5(DARS2):c.797G>A (p.Arg266Gln)

Gene: DARS2 (aspartyl-tRNA synthetase 2, mitochondrial; plus strand). Cytogenetic location: 1q25.1.
Variant type: single nucleotide variant.
Coding change: c.797G>A on transcript NM_018122.5 (MANE Select); coding-DNA position 797, G replaced by A.
Protein change: p.Arg266Gln; replaces arginine 266 with glutamine.
Molecular consequence: missense variant.
Genome position (GRCh38, 1-based): chr1:173,838,216, G>A. VCF-style: chr1-173838216-G-A. GRCh37 (hg19) VCF-style: chr1-173807354-G-A.
Other names: c.797G>A, p.Arg266Gln (NM_001365212.1, NM_001365213.2); short protein forms R266Q.
Identifiers: ClinVar variation 2893472 (VCV002893472.4), dbSNP rs776992068, ClinGen allele CA1250243.

ClinVar aggregate classification (germline): Uncertain significance. Review status: criteria provided, multiple submitters, no conflicts (2 of 4 stars). 2 submissions from 2 submitters: Uncertain significance (2). Last evaluated 2024-07-29.

Allele frequency attached by ClinVar (database versions not stated): gnomAD exomes 0.00001; ExAC 0.00002; TOPMed 0.00002.
gnomAD v4.1: 20 of 1,613,684 alleles (0.0012%); highest among the groups gnomAD compares: South Asian, 0.0044%; no homozygotes.

Submissions (2):

Blueprint Genetics
Classification: Uncertain significance. Last evaluated: 2024-07-29. Review status: criteria provided, single submitter. Criteria: ACMG Guidelines, 2015. Collection method: clinical testing. Allele origin: germline.

Labcorp Genetics (formerly Invitae), Labcorp
Classification: Uncertain significance. Last evaluated: 2024-03-25. Review status: criteria provided, single submitter. Criteria: Invitae Variant Classification Sherloc (09022015). Collection method: clinical testing. Allele origin: germline.
Comment: This sequence change replaces arginine, which is basic and polar, with glutamine, which is neutral and polar, at codon 266 of the DARS2 protein (p.Arg266Gln). This variant is present in population databases (rs776992068, gnomAD 0.01%). This missense change has been observed in individual(s) with clinical features of leukoencephalopathy with brain stem and spinal cord involvement and lactate elevation (LBSL) (Invitae). Advanced modeling of protein sequence and biophysical properties (such as structural, functional, and spatial information, amino acid conservation, physicochemical variation, residue mobility, and thermodynamic stability) performed at Invitae indicates that this missense variant is expected to disrupt DARS2 protein function with a positive predictive value of 80%. In summary, the available evidence is currently insufficient to determine the role of this variant in disease. Therefore, it has been classified as a Variant of Uncertain Significance.